The following is an entry in ClinVar:

ClinVar aggregate classification (germline): Uncertain significance (1 of 4 stars; one submission).

Conditions:
Peroxisome biogenesis disorder 5A (Zellweger) (PBD5A). Identifiers: Orphanet 912, MedGen C3553940, MONDO:0013932, OMIM 614866.

Submission:

Labcorp Genetics (formerly Invitae), Labcorp
Classification: Uncertain significance for Peroxisome biogenesis disorder 5A (Zellweger). Last evaluated: 2021-07-18. Review status: criteria provided, single submitter. Criteria: Invitae Variant Classification Sherloc (09022015). Collection method: clinical testing. Allele origin: germline.
Comment: This sequence change creates a premature translational stop signal (p.Tyr265Leufs*3) in the PEX2 gene. While this is not anticipated to result in nonsense mediated decay, it is expected to disrupt the last 41 amino acid(s) of the PEX2 protein. This variant is not present in population databases (ExAC no frequency). This variant has not been reported in the literature in individuals affected with PEX2-related conditions. Experimental studies and prediction algorithms are not available or were not evaluated, and the functional significance of this variant is currently unknown. In summary, the available evidence is currently insufficient to determine the role of this variant in disease. Therefore, it has been classified as a Variant of Uncertain Significance.

NM_000318.3(PEX2):c.793_797del (p.Tyr265fs)

Gene: PEX2 (peroxisomal biogenesis factor 2; minus strand). Cytogenetic location: 8q21.13.
Variant type: Deletion.
Coding change: c.793_797del on transcript NM_000318.3 (MANE Select); coding-DNA positions 793 to 797, 5 bases deleted (TATTT; older notation c.793_797delTATTT).
Protein change: p.Tyr265fs; shifts the reading frame from tyrosine 265.
Molecular consequence: frameshift variant.
Genome position (GRCh38, 1-based): chr8:76,983,382-76,983,386, AAATA deleted on the plus strand (TATTT on the coding strand, the reverse complement: PEX2 is on the minus strand); deleting any 5 consecutive bases within chr8:76,983,382-76,983,387 gives the same sequence; the c. name uses the placement nearest the transcript's 3' end. VCF-style (leftmost placement, unchanged base first): chr8-76983381-GAAATA-G. GRCh37 (hg19) VCF-style: chr8-77895617-GAAATA-G.
Other names: c.793_797del, p.Tyr265fs (NM_001079867.2, NM_001172086.2, NM_001172087.2); short protein forms Y265fs.
Identifiers: ClinVar variation 1406316 (VCV001406316.6), dbSNP rs2132043053, ClinGen allele CA2573143375.
Genomic context (GRCh38, chr8:76,983,381, plus strand): 5'-TTCTGTGCCACACTTAGGACAAGTAAAGTACACGTCAAATAAGAAACTACTCTTAGCACA[GAAATA>G]ACAGAAAATATGCTCACATCCTATGGTGTGAGGCATGGTGGGCCACTCTCCACATAGAGC-3'